The following is an entry in ClinVar:

ClinVar aggregate classification (germline): Uncertain significance (1 of 4 stars; one submission).

Conditions:
PAX7-related disorder. Also called: PAX7-related condition.

Submission:

PreventionGenetics, part of Exact Sciences
Classification: Uncertain significance for PAX7-related condition. Last evaluated: 2023-04-14. Review status: criteria provided, single submitter. Criteria: ACMG Guidelines, 2015. Collection method: clinical testing. Allele origin: germline.
Comment: The PAX7 c.1440delC variant is predicted to result in a frameshift and premature protein termination (p.Thr481Profs*5). This variant corresponds to a post coding position in the primary transcript for this gene (NM_002584.2:c.*8812delC). To our knowledge, this variant has not been reported in the literature or in a large population database, indicating this variant is rare. Frameshift variants in PAX7 are not an established mechanism of disease. Therefore, although we suspect that this variant may be pathogenic, at this time, the clinical significance of this variant is uncertain due to the absence of conclusive functional and genetic evidence.

NM_001135254.2(PAX7):c.1440del (p.Thr481fs)

Gene: PAX7 (paired box 7; plus strand). Cytogenetic location: 1p36.13.
Variant type: Deletion.
Coding change: c.1440del on transcript NM_001135254.2 (MANE Select); coding-DNA position 1440, one base deleted (C; older notation c.1440delC).
Protein change: p.Thr481fs; shifts the reading frame from threonine 481.
Molecular consequence: frameshift variant.
Genome position (GRCh38, 1-based): chr1:18,744,851, C deleted; the last of 2 consecutive C bases (chr1:18,744,850-18,744,851); deleting either gives the same sequence. VCF-style (leftmost placement, unchanged base first): chr1-18744849-TC-T. GRCh37 (hg19) VCF-style: chr1-19071343-TC-T.
Other names: short protein forms T481fs.
Identifiers: ClinVar variation 2628955 (VCV002628955.1), dbSNP rs1931359340, ClinGen allele CA999199337.